The following is an entry in ClinVar:

NM_000038.6(APC):c.646-3037C>T

Gene: APC (APC regulator of WNT signaling pathway; plus strand). Cytogenetic location: 5q22.2.
Variant type: single nucleotide variant.
Coding change: c.646-3037C>T on transcript NM_000038.6 (MANE Select); 3037 bases into the intron before coding-DNA position 646, C replaced by T.
Molecular consequence: intron variant.
Genome position (GRCh38, 1-based): chr5:112,789,409, C>T. VCF-style: chr5-112789409-C-T. GRCh37 (hg19) VCF-style: chr5-112125106-C-T.
Other names: c.646-3037C>T (NM_001354895.2, NM_001127510.3, NM_001354896.2 and 1 more transcripts); c.676-3037C>T (NM_001354897.2, NM_001354902.2); c.675+8506C>T (NM_001127511.3); c.571-3037C>T (NM_001354898.2, NM_001354904.2); c.-390-3037C>T (NM_001354906.2); c.645+8506C>T (NM_001354899.2); c.469-3037C>T (NM_001354900.2, NM_001354901.2, NM_001354905.2).
Identifiers: ClinVar variation 82983 (VCV000082983.2), dbSNP rs79043887, ClinGen allele CA011808.

ClinVar aggregate classification (germline): other (0 of 4 stars; one submission).

Conditions:
Familial colorectal cancer. Identifiers: MedGen CN280943, MONDO:0023113. Disease mechanism: loss of function.

Submission:

Systems Biology Platform Zhejiang California International NanoSystems Institute
Classification: other for Familial colorectal cancer. Review status: no assertion criteria provided. Collection method: not provided. Allele origin: unknown.
ClinVar note: Converted during submission from cancer to other.